The following is an entry in ClinVar:

ClinVar aggregate classification (germline): Uncertain significance (1 of 4 stars; one submission).

Conditions:
Renal tubular acidosis, distal, 3, with or without sensorineural hearing loss (DRTA3). Identifiers: MedGen C5399980, MONDO:0011268, OMIM 602722.

Submission:

Neuberg Centre For Genomic Medicine, NCGM
Classification: Uncertain significance for Renal tubular acidosis, distal, 3, with or without sensorineural hearing loss. Last evaluated: 2023-06-22. Review status: criteria provided, single submitter. Criteria: ACMG Guidelines, 2015. Collection method: clinical testing. Allele origin: germline. Inheritance: Autosomal recessive inheritance. Affected: yes.
Comment: The missense c.1216G>C(p.Ala406Pro) variant in ATP6V0A4 gene has not been reported previously as a pathogenic variant nor as a benign variant, to our knowledge. The p.Ala406Pro variant is absent in gnomAD Exomes. This variant has not been submitted to the ClinVar database. Multiple lines of computational evidences (Polyphen - Probably damaging, SIFT - Damaging and MutationTaster - Disease causing) predict a damaging effect on protein structure and function for this variant. The reference amino acid at this position on ATP6V0A4 gene is predicted as conserved by GERP++ and PhyloP across 100 vertebrates. The amino acid Ala at position 406 is changed to a Pro changing protein sequence and it might alter its composition and physico-chemical properties. For these reasons, this variant has been classified as a Variant of Uncertain Significance (VUS).

NM_020632.3(ATP6V0A4):c.1216G>C (p.Ala406Pro)

Gene: ATP6V0A4 (ATPase H+ transporting V0 subunit a4; minus strand). Cytogenetic location: 7q34.
Variant type: single nucleotide variant.
Coding change: c.1216G>C on transcript NM_020632.3 (MANE Select); coding-DNA position 1216, G replaced by C.
Protein change: p.Ala406Pro; replaces alanine 406 with proline.
Molecular consequence: missense variant.
Genome position (GRCh38, 1-based): chr7:138,747,529, C>G on the plus strand (G>C on the coding strand, the complement: ATP6V0A4 is on the minus strand). VCF-style: chr7-138747529-C-G. GRCh37 (hg19) VCF-style: chr7-138432274-C-G.
Other names: c.1216G>C, p.Ala406Pro (NM_130840.3, NM_130841.3); short protein forms A406P.
Identifiers: ClinVar variation 3731337 (VCV003731337.1).
Genomic context (GRCh38, chr7:138,747,529, plus strand): 5'-TCATCCAAAGTGCAGCCAGGAGCATCACGGTTCCATGACCACAGTCTCCAAACATCACAG[C>G]GAACAGGAAGGGGAAAGTGATGATGGTGTAGGGGGCTGCGGAGGGGAGACACACAACGCC-3'
Protein context (NP_065683.2, residues 396-416): YTIITFPFLF[Ala406Pro]VMFGDCGHGT